The following continues an entry in ClinVar:

NM_000059.4(BRCA2):c.8953+1G>T

Gene: BRCA2. ClinVar aggregate classification (germline): Pathogenic. Pathogenic (1).

Submissions 9 to 20 of 20:

Women's Health and Genetics/Laboratory Corporation of America, LabCorp
Classification: Pathogenic for Hereditary breast ovarian cancer syndrome. Last evaluated: 2023-08-29. Review status: criteria provided, single submitter. Criteria: LabCorp Variant Classification Summary - May 2015. Collection method: clinical testing. Allele origin: germline. Not counted in ClinVar's aggregate classification.
Comment: Variant summary: BRCA2 c.8953+1G>T is located in a canonical splice-site and is predicted to affect mRNA splicing resulting in a significantly altered protein due to either exon skipping, shortening, or inclusion of intronic material. Several computational tools predict a significant impact on normal splicing: Four predict the variant abolishes a 5' splicing donor site. At least one publication reports experimental evidence that this variant affects mRNA splicing. These predictions have been confirmed by functional studies that showed variant lead to exon 22 skipping (Whiley_2011 and Acedo_2014). The variant was absent in 248098 control chromosomes. c.8953+1G>T has been reported in the literature in individuals affected with Hereditary Breast And Ovarian Cancer Syndrome (eg. Borg_2010, Thomassen_2008, Whiley_2011, Nielsen_2017, Sharma_2015, Euhus_2002, etc). These data indicate that the variant is likely to be associated with disease. The following publications have been ascertained in the context of this evaluation (PMID: 21990134, 20104584, 21394826, 18465347, 12048272, 25382762, 26360800, 26004055). 11 submitters have cited clinical-significance assessments for this variant to ClinVar after 2014. All submitters classified the variant as pathogenic. Based on the evidence outlined above, the variant was classified as pathogenic.

Baylor Genetics
Classification: Pathogenic for Familial cancer of breast. Last evaluated: 2022-12-19. Review status: criteria provided, single submitter. Criteria: ACMG Guidelines, 2015. Collection method: clinical testing. Allele origin: unknown. Not counted in ClinVar's aggregate classification.

GeneDx
Classification: Pathogenic. Last evaluated: 2022-04-20. Review status: criteria provided, single submitter. Criteria: GeneDx Variant Classification Process June 2021. Collection method: clinical testing. Allele origin: germline. Affected: yes. Not counted in ClinVar's aggregate classification.
Comment: Canonical splice site variant in a gene for which loss-of-function is a known mechanism of disease; Observed in individuals with BRCA2-related cancers (Borg 2010, Whiley 2011, Sharma 2016, Roed Nielsen 2016); Published functional studies demonstrate a damaging effect: multiple aberrant transcripts, with skipping of exon 22 being the most prevalent (Whiley 2011, Acedo 2015); Multifactorial studies suggest this variant is associated with breast and ovarian cancer (Lindor 2012); Considered pathogenic by a well-established clinical consortium and/or database; Not observed at significant frequency in large population cohorts (gnomAD); Also known as BRCA2 9181+1G>T; This variant is associated with the following publications: (PMID: 20104584, 29922827, 32022259, 21990134, 26004055, 25382762, 26360800, 29164420, 21394826, 29446198, 31209999, 31263571)

Institute for Biomarker Research, Medical Diagnostic Laboratories, L.L.C.
Classification: Pathogenic for Hereditary cancer-predisposing syndrome. Last evaluated: 2018-01-16. Review status: criteria provided, single submitter. Criteria: ACMG Guidelines, 2015. Collection method: clinical testing. Allele origin: germline. Not counted in ClinVar's aggregate classification.

Laboratory for Molecular Medicine, Mass General Brigham Personalized Medicine
Classification: Pathogenic for Hereditary breast ovarian cancer syndrome. Last evaluated: 2016-02-08. Review status: criteria provided, single submitter. Criteria: LMM Criteria. Collection method: clinical testing. Allele origin: germline. Inheritance: Autosomal dominant inheritance. Observed: 2 variant alleles. Not counted in ClinVar's aggregate classification.
Comment: The c.8953+1G>T variant in BRCA2 has been reported in 3 individuals with BRCA2-a ssociated cancers (Borg 2010, Breast Cancer Information Core (BIC) database) and was absent from large population studies. This variant occurs in the invariant region (+/- 1,2) of the splice consensus sequence and is predicted to cause alte red splicing leading to an abnormal or absent protein. In vitro functional studi es provide some evidence that the c.8953+1G>T variant impacts splicing (Whiley 2 011, Acedo 2015). Heterozygous loss of function of the BRCA2 gene is an establis hed disease mechanism in individuals with hereditary breast and ovarian cancer ( HBOC). In addition, this variant was classified as Pathogenic on August 10, 2015 by the ClinGen-approved ENIGMA expert panel (ClinVar SCV000244490.1). In summar y, the c.8953+1G>T variant meets our criteria to be classified as pathogenic for HBOC in an autosomal dominant manner based upon absence from controls, function al evidence, and the predicted impact to the protein.

Consortium of Investigators of Modifiers of BRCA1/2 (CIMBA), c/o University of Cambridge
Classification: Pathogenic for Breast-ovarian cancer, familial, susceptibility to, 2. Last evaluated: 2015-10-02. Review status: criteria provided, single submitter. Criteria: CIMBA Mutation Classification guidelines May 2016. Collection method: clinical testing. Allele origin: germline. Not counted in ClinVar's aggregate classification.

BRCAlab, Lund University
Classification: Pathogenic for Breast-ovarian cancer, familial, susceptibility to, 2. Last evaluated: 2020-03-02. Review status: no assertion criteria provided. Collection method: clinical testing. Allele origin: germline. Affected: yes. Not counted in ClinVar's aggregate classification.

Counsyl
Classification: Pathogenic for Breast-ovarian cancer, familial, susceptibility to, 2. Last evaluated: 2017-01-03. Review status: no assertion criteria provided. Collection method: clinical testing. Allele origin: unknown. Not counted in ClinVar's aggregate classification.

Research Molecular Genetics Laboratory, Women's College Hospital, University of Toronto
Classification: Pathogenic for Hereditary breast ovarian cancer syndrome. Last evaluated: 2014-01-31. Review status: no assertion criteria provided. Collection method: research. Allele origin: germline. Affected: yes. Study: The Canadian Open Genetics Repository (COGR). Not counted in ClinVar's aggregate classification.

Sharing Clinical Reports Project (SCRP)
Classification: Pathogenic for Breast-ovarian cancer, familial 2. Last evaluated: 2012-02-21. Review status: no assertion criteria provided. Collection method: clinical testing. Allele origin: germline. Not counted in ClinVar's aggregate classification.

Breast Cancer Information Core (BIC) (BRCA2)
Classification: Pathogenic for Breast-ovarian cancer, familial 2. Last evaluated: 2002-05-29. Review status: no assertion criteria provided. Collection method: clinical testing. Allele origin: germline. Affected: yes. Observed: 2 variant alleles. Not counted in ClinVar's aggregate classification.

Dr. Peter K. Rogan Lab, Western University
No classification provided (evidence only). Condition: Thyroid cancer, nonmedullary, 1. Review status: no classification provided. Collection method: in vitro. Allele origin: not applicable. Functional consequence: retained intron. Not counted in ClinVar's aggregate classification.

Literature cited by the submitters: PubMed 21990134 (cited by 5 submitters); PubMed 21394826 (cited by 7 submitters); PubMed 25382762 (cited by 7 submitters); PubMed 26360800 (cited by 4 submitters); PubMed 29164420 (cited by Color Diagnostics, LLC DBA Color Health); PubMed 31209999 (cited by Color Diagnostics, LLC DBA Color Health and All of Us Research Program, National Institutes of Health); PubMed 31853058 (cited by Color Diagnostics, LLC DBA Color Health); PubMed 32022259 (cited by 3 submitters); PubMed 32939053 (cited by Color Diagnostics, LLC DBA Color Health and Quest Diagnostics Nichols Institute San Juan Capistrano); PubMed 36045058 (cited by 3 submitters); PubMed 39779857 (cited by Color Diagnostics, LLC DBA Color Health); PubMed 26004055 (cited by 4 submitters); PubMed 2010458 (cited by Labcorp Genetics (formerly Invitae), Labcorp); PubMed 26187060 (cited by Labcorp Genetics (formerly Invitae), Labcorp and Laboratory for Molecular Medicine, Mass General Brigham Personalized Medicine); PubMed 20104584 (cited by 4 submitters); PubMed 32614418 (cited by Quest Diagnostics Nichols Institute San Juan Capistrano and All of Us Research Program, National Institutes of Health); PubMed 37731132 (cited by Quest Diagnostics Nichols Institute San Juan Capistrano); PubMed 8988179 (cited by All of Us Research Program, National Institutes of Health); PubMed 11897832 (cited by All of Us Research Program, National Institutes of Health); PubMed 18465347 (cited by All of Us Research Program, National Institutes of Health and Women's Health and Genetics/Laboratory Corporation of America, LabCorp); PubMed 29446198 (cited by All of Us Research Program, National Institutes of Health); PubMed 12048272 (cited by Women's Health and Genetics/Laboratory Corporation of America, LabCorp).